The following is an entry in ClinVar:

ClinVar aggregate classification (germline): Uncertain significance (1 of 4 stars; one submission).

Submission:

Labcorp Genetics (formerly Invitae), Labcorp
Classification: Uncertain significance. Last evaluated: 2022-08-05. Review status: criteria provided, single submitter. Criteria: Invitae Variant Classification Sherloc (09022015). Collection method: clinical testing. Allele origin: germline.
Comment: This sequence change replaces threonine, which is neutral and polar, with serine, which is neutral and polar, at codon 1232 of the NLRP1 protein (p.Thr1232Ser). This variant is not present in population databases (gnomAD no frequency). This variant has not been reported in the literature in individuals affected with NLRP1-related conditions. Algorithms developed to predict the effect of missense changes on protein structure and function (SIFT, PolyPhen-2, Align-GVGD) all suggest that this variant is likely to be tolerated. In summary, the available evidence is currently insufficient to determine the role of this variant in disease. Therefore, it has been classified as a Variant of Uncertain Significance.

NM_033004.4(NLRP1):c.3694A>T (p.Thr1232Ser)

Gene: NLRP1 (NLR family pyrin domain containing 1; minus strand). Cytogenetic location: 17p13.2.
Variant type: single nucleotide variant.
Coding change: c.3694A>T on transcript NM_033004.4 (MANE Select); coding-DNA position 3694, A replaced by T.
Protein change: p.Thr1232Ser; replaces threonine 1232 with serine.
Molecular consequence: missense variant.
Genome position (GRCh38, 1-based): chr17:5,521,613, T>A on the plus strand (A>T on the coding strand, the complement: NLRP1 is on the minus strand). VCF-style: chr17-5521613-T-A. GRCh37 (hg19) VCF-style: chr17-5424933-T-A.
Other names: c.3604A>T, p.Thr1202Ser (NM_033006.4, NM_033007.4); c.3706A>T, p.Thr1236Ser (NM_001033053.3); c.3694A>T, p.Thr1232Ser (NM_014922.5); short protein forms T1202S, T1232S, T1236S.
Identifiers: ClinVar variation 1715142 (VCV001715142.5), dbSNP rs2507732282, ClinGen allele CA397389135.